The following is an entry in ClinVar:

NM_138387.4(G6PC3):c.997C>A (p.His333Asn)

Gene: G6PC3 (glucose-6-phosphatase catalytic subunit 3; plus strand). Cytogenetic location: 17q21.31.
Variant type: single nucleotide variant.
Coding change: c.997C>A on transcript NM_138387.4 (MANE Select); coding-DNA position 997, C replaced by A.
Protein change: p.His333Asn; replaces histidine 333 with asparagine.
Molecular consequence: missense variant. On other transcripts: 3 prime UTR variant (1).
Genome position (GRCh38, 1-based): chr17:44,075,999, C>A. VCF-style: chr17-44075999-C-A. GRCh37 (hg19) VCF-style: chr17-42153367-C-A.
Other names: c.*290C>A (NM_001319945.2); c.652C>A, p.His218Asn (NM_001384165.1, NM_001384166.1, NM_001384167.1 and 1 more transcripts); short protein forms H218N, H333N.
Identifiers: ClinVar variation 3518071 (VCV003518071.1).

ClinVar aggregate classification (germline): Uncertain significance (1 of 4 stars; one submission).

Conditions:
Inborn genetic diseases. Identifiers: MedGen C0950123, MeSH D030342.

Submission:

Ambry Genetics
Classification: Uncertain significance for Inborn genetic diseases. Last evaluated: 2024-12-04. Review status: criteria provided, single submitter. Criteria: Ambry Variant Classification Scheme 2023. Collection method: clinical testing. Allele origin: germline.
Comment: The p.H333N variant (also known as c.997C>A), located in coding exon 6 of the G6PC3 gene, results from a C to A substitution at nucleotide position 997. The histidine at codon 333 is replaced by asparagine, an amino acid with similar properties. This amino acid position is conserved. In addition, this alteration is predicted to be tolerated by in silico analysis. Based on the available evidence, the clinical significance of this variant remains unclear.